The following is an entry in ClinVar:

ClinVar aggregate classification (germline): Uncertain significance (1 of 4 stars; one submission).

Allele frequency attached by ClinVar (database versions not stated): gnomAD exomes below 0.00001.

Submission:

CeGaT Center for Human Genetics Tuebingen
Classification: Uncertain significance. Last evaluated: 2024-04-01. Review status: criteria provided, single submitter. Criteria: CeGaT Center For Human Genetics Tuebingen Variant Classification Criteria Version 2. Collection method: clinical testing. Allele origin: germline. Affected: yes. Observed: 1 variant allele.
Comment: FBN1: PM2:Supporting, BP4

NM_000138.5(FBN1):c.3082+5_3082+6insT

Gene: FBN1 (fibrillin 1; minus strand). Cytogenetic location: 15q21.1.
Variant type: Insertion.
Coding change: c.3082+5_3082+6insT on transcript NM_000138.5 (MANE Select); bases 5 to 6 of the intron after coding-DNA position 3082, T inserted.
Molecular consequence: intron variant.
Genome position: GRCh38 VCF-style: chr15-48489845-T-TA. GRCh37 (hg19) VCF-style: chr15-48782042-T-TA.
Other names: c.3082+5_3082+6insT (NM_001406716.1).
Identifiers: ClinVar variation 3234776 (VCV003234776.20), dbSNP rs1566910240, ClinGen allele CA618009264.